The following is an entry in ClinVar:

NM_000038.6(APC):c.1958+443T>C

Gene: APC (APC regulator of Wnt signaling pathway; plus strand). Cytogenetic location: 5q22.2.
Variant type: single nucleotide variant.
Coding change: c.1958+443T>C on transcript NM_000038.6 (MANE Select); 443 bases into the intron after coding-DNA position 1958, T replaced by C.
Molecular consequence: intron variant.
Genome position (GRCh38, 1-based): chr5:112,835,608, T>C. VCF-style: chr5-112835608-T-C. GRCh37 (hg19) VCF-style: chr5-112171305-T-C.
Other names: c.1109+443T>C (NM_001407470.1, NM_001354906.2); c.806+443T>C (NM_001407472.1, NM_001407471.1); c.2012+443T>C (NM_001407447.1, NM_001407448.1, NM_001407449.1 and 1 more transcripts); c.1958+443T>C (NM_001354895.2, NM_001407450.1, NM_001127510.3); c.1709+443T>C (NM_001407456.1, NM_001407457.1, NM_001407455.1 and 1 more transcripts); c.1655+443T>C (NM_001407460.1, NM_001407458.1, NM_001407459.1 and 1 more transcripts); c.1928+443T>C (NM_001407452.1); c.1571+443T>C (NM_001407469.1, NM_001407467.1); and 11 more.
Identifiers: ClinVar variation 3127710 (VCV003127710.2), dbSNP rs2533353505, ClinGen allele CA2825001363.
Genomic context (GRCh38, chr5:112,835,608, plus strand): 5'-GATGTCTTAGTATCCATAATAATAATTTTTTTTTTTTTTTTTTGAGACAGGGTCTCACTC[T>C]GTCTCCCAGACTGGAGGGCAGTGTTGTGATCTTGGCTCACTGCAACCTCCACCTCCTGGG-3'

ClinVar aggregate classification (germline): Likely pathogenic (1 of 4 stars; one submission).

Conditions:
Hereditary cancer-predisposing syndrome. Also called: Neoplastic Syndromes, Hereditary; Tumor predisposition; Hereditary neoplastic syndrome; Hereditary Cancer Syndrome. Identifiers: Orphanet 140162, MedGen C0027672, MeSH D009386, MONDO:0015356.

Submission:

Ambry Genetics
Classification: Likely pathogenic for Hereditary cancer-predisposing syndrome. Last evaluated: 2025-05-21. Review status: criteria provided, single submitter. Criteria: Ambry Variant Classification Scheme 2023. Collection method: clinical testing. Allele origin: germline.
Comment: The c.1958+443T>C intronic variant results from a T to C substitution 443 nucleotides after coding exon 14 in the APC gene. This nucleotide position is highly conserved in available vertebrate species. This variant was reported in individual(s) with features consistent with familial adenomatous polyposis (Ambry internal data). In silico splice site analysis predicts that this alteration will not have any significant effect on splicing. RNA studies have demonstrated that this alteration results in abnormal splicing in the set of samples tested (Ambry internal data). This variant is considered to be rare based on population cohorts in the Genome Aggregation Database (gnomAD). Based on the majority of available evidence to date, this variant is likely to be pathogenic.